The following is an entry in ClinVar:

NM_006218.4(PIK3CA):c.1358_1361delinsG (p.Glu453_Asp454delinsGly)

Gene: PIK3CA (phosphatidylinositol-4,5-bisphosphate 3-kinase catalytic subunit alpha; plus strand). Cytogenetic location: 3q26.32.
Variant type: Indel.
Coding change: c.1358_1361delinsG on transcript NM_006218.4 (MANE Select); coding-DNA positions 1358 to 1361, AAGA replaced by G.
Protein change: p.Glu453_Asp454delinsGly.
Molecular consequence: inframe indel.
Genome position (GRCh38, 1-based): chr3:179,210,292-179,210,295, AAGA replaced by G. VCF-style: chr3-179210292-AAGA-G. GRCh37 (hg19) VCF-style: chr3-178928080-AAGA-G.
Identifiers: ClinVar variation 3238639 (VCV003238639.1), dbSNP rs2473511270.

ClinVar aggregate classification (germline): Likely pathogenic (1 of 4 stars; one submission).

Conditions:
PIK3CA related overgrowth syndrome. Also called: PIK3CA related overgrowth spectrum; PIK3CA-Related Segmental Overgrowth. Identifiers: Orphanet 530313, MedGen C4728213, MONDO:1040002.

Submission:

Clinical Genomics Laboratory, Washington University in St. Louis
Classification: Likely pathogenic for PIK3CA-related overgrowth syndrome. Last evaluated: 2023-12-22. Review status: criteria provided, single submitter. Criteria: ACMG Guidelines, 2015. Collection method: clinical testing. Allele origin: somatic. Affected: yes.
Comment: A PIK3CA c.1358_1361delinsG (p.Glu453_Asp454delinsGly) variant was identified. This variant, to our knowledge, has not been reported in the medical literature. This variant is absent from the general population (gnomAD v.4.0.0), indicating it is not a common variant. This variant resides within a highly conserved region of the C2 domain, amino acids 330-487, of PIK3CA, which is defined as a critical functional domain (Gymnopoulos et al., PMID: 17376864). This complex variant is predicted to cause a change in the length of the protein due to a deletion of one amino acid in a non-repeat region and the introduction of a novel glycine residue. Based on an internally-developed protocol informed by the ACMG/AMP guidelines (Richards S et al., PMID: 25741868) and gene-specific practices from the ClinGen Criteria Specification Registry, the PIK3CA c.1358_1361delinsG (p.Glu453_Asp454delinsGly) variant is classified as likely pathogenic.